The following is an entry in ClinVar:

NM_000123.3(ERCC5):c.-242T>C

Genes: BIVM-ERCC5 (BIVM-ERCC5 readthrough; plus strand), ERCC5 (ERCC excision repair 5, endonuclease; plus strand). Cytogenetic location: 13q33.1.
Variant type: single nucleotide variant.
Coding change: c.-242T>C on transcript NM_000123.3; 242 bases upstream of the start codon, T replaced by C.
Molecular consequence: intron variant (on NM_001204425.2).
Genome position (GRCh38, 1-based): chr13:102,846,025, T>C. VCF-style: chr13-102846025-T-C. GRCh37 (hg19) VCF-style: chr13-103498375-T-C.
Other names: c.1451-6093T>C (NM_001204425.2).
Identifiers: ClinVar variation 310904 (VCV000310904.9), dbSNP rs2296147, ClinGen allele CA10633787.
Genomic context (GRCh38, chr13:102,846,025, plus strand): 5'-GCCTAAGCGCTGGGCGAGGCGAGGCCCTGCCCCTCCCCGCCAACGGCCATTCTCTGGACC[T>C]GTCTTTCTTCCGGGAGGCGGTGACAGCTGCTGAGACGTGTTGCAGCCAGAGTCTCTCCGC-3'

ClinVar aggregate classification (germline): Benign. Review status: criteria provided, multiple submitters, no conflicts (2 of 4 stars). 3 submissions from 3 submitters: Benign (3). Last evaluated 2018-11-11.

Conditions:
Xeroderma pigmentosum, group G (XPG). Also called: XERODERMA PIGMENTOSUM VII; XP, GROUP G; Xeroderma pigmentosum type 7; ERCC5-Related Xeroderma Pigmentosum. Identifiers: MedGen C0268141, MONDO:0010216, OMIM 278780.

Allele frequency attached by ClinVar (database versions not stated): TOPMed 0.35745; 1000 Genomes Project 0.29792; gnomAD 0.37387 and 0.37424.

Submissions (3):

GeneDx
Classification: Benign. Last evaluated: 2018-11-11. Review status: criteria provided, single submitter. Criteria: GeneDx Variant Classification Process June 2021. Collection method: clinical testing. Allele origin: germline. Affected: yes.

Illumina Laboratory Services, Illumina
Classification: Benign for Xeroderma pigmentosum, group G. Last evaluated: 2018-01-12. Review status: criteria provided, single submitter. Criteria: ICSL Variant Classification Criteria 13 December 2019. Collection method: clinical testing. Allele origin: germline.
Comment: This variant was observed in the ICSL laboratory as part of a predisposition screen in an ostensibly healthy population. It had not been previously curated by ICSL or reported in the Human Gene Mutation Database (HGMD: prior to June 1st, 2018), and was therefore a candidate for classification through an automated scoring system. Utilizing variant allele frequency, disease prevalence and penetrance estimates, and inheritance mode, an automated score was calculated to assess if this variant is too frequent to cause the disease. Based on the score and internal cut-off values, a variant classified as benign is not then subjected to further curation. The score for this variant resulted in a classification of benign for this disease.

Breakthrough Genomics
Classification: Benign. Review status: criteria provided, single submitter. Criteria: ACMG Guidelines, 2015. Collection method: not provided. Allele origin: germline. Inheritance: Autosomal recessive inheritance. Affected: yes.